The following is an entry in ClinVar:

ClinVar aggregate classification (germline): Uncertain significance. Review status: criteria provided, multiple submitters, no conflicts (2 of 4 stars). 2 submissions from 2 submitters: Uncertain significance (2). Last evaluated 2022-04-08.

Conditions:
Amyotrophic lateral sclerosis type 19. Identifiers: Orphanet 803, MedGen C3715155, MONDO:0014223, OMIM 615515.

Allele frequency attached by ClinVar (database versions not stated): gnomAD 0.00001; gnomAD exomes 0.00001; TOPMed 0.00002.
gnomAD v4.1: 14 of 1,586,150 alleles (0.00088%); highest among the groups gnomAD compares: Non-Finnish European, 0.0011%; no homozygotes.

Submissions (2):

Labcorp Genetics (formerly Invitae), Labcorp
Classification: Uncertain significance. Last evaluated: 2022-04-08. Review status: criteria provided, single submitter. Criteria: Invitae Variant Classification Sherloc (09022015). Collection method: clinical testing. Allele origin: germline.
Comment: This sequence change replaces phenylalanine, which is neutral and non-polar, with leucine, which is neutral and non-polar, at codon 297 of the ERBB4 protein (p.Phe297Leu). This variant is not present in population databases (gnomAD no frequency). This variant has not been reported in the literature in individuals affected with ERBB4-related conditions. Algorithms developed to predict the effect of missense changes on protein structure and function are either unavailable or do not agree on the potential impact of this missense change (SIFT: "Deleterious"; PolyPhen-2: "Benign"; Align-GVGD: "Class C0"). In summary, the available evidence is currently insufficient to determine the role of this variant in disease. Therefore, it has been classified as a Variant of Uncertain Significance.

Department of Pathology and Laboratory Medicine, Sinai Health System
Classification: Uncertain significance for Amyotrophic lateral sclerosis type 19. Last evaluated: 2021-07-30. Review status: criteria provided, single submitter. Criteria: ACMG Guidelines, 2015. Collection method: research. Allele origin: germline.

NM_005235.3(ERBB4):c.891T>G (p.Phe297Leu)

Gene: ERBB4 (erb-b2 receptor tyrosine kinase 4; minus strand). Cytogenetic location: 2q34.
Variant type: single nucleotide variant.
Coding change: c.891T>G on transcript NM_005235.3 (MANE Select); coding-DNA position 891, T replaced by G.
Protein change: p.Phe297Leu; replaces phenylalanine 297 with leucine.
Molecular consequence: missense variant.
Genome position (GRCh38, 1-based): chr2:211,713,641, A>C on the plus strand (T>G on the coding strand, the complement: ERBB4 is on the minus strand). VCF-style: chr2-211713641-A-C. GRCh37 (hg19) VCF-style: chr2-212578366-A-C.
Other names: c.891T>G, p.Phe297Leu (NM_001042599.2); short protein forms F297L.
Identifiers: ClinVar variation 1933291 (VCV001933291.6), dbSNP rs878956503, ClinGen allele CA64760282.